The following is an entry in ClinVar:

ClinVar aggregate classification (germline): Uncertain significance. Review status: criteria provided, multiple submitters, no conflicts (2 of 4 stars). 2 submissions from 2 submitters: Uncertain significance (2). Last evaluated 2024-08-07.

Submissions (2):

Mayo Clinic Laboratories, Mayo Clinic
Classification: Uncertain significance. Last evaluated: 2024-08-07. Review status: criteria provided, single submitter. Criteria: ACMG Guidelines, 2015. Collection method: clinical testing. Allele origin: germline. Observed: 1 variant allele.
Comment: PM2

Athena Diagnostics
Classification: Uncertain significance. Last evaluated: 2024-03-01. Review status: criteria provided, single submitter. Criteria: Athena Diagnostics Criteria. Collection method: clinical testing. Allele origin: unknown.
Comment: Available data are insufficient to determine the clinical significance of the variant at this time. This variant has not been reported in large, multi-ethnic general populations. This variant is predicted to result in a premature termination codon and the loss of a functional protein. However, research supports that pathogenic variants causing CADASIL do so by a toxic gain of function mechanism and the clinical relevance of loss of function (LOF) variants in this gene is under debate in the literature (PMID: 24000151, 25260852, 25870235). Internal data suggests that loss of function variants are more likely pathogenic than benign, but further studies are needed to understand their effect on NOTCH3 signaling. Greater than 90% of NOTCH3 pathogenic variants associated with CADASIL involve the gain or loss of a cysteine residue within the epidermal growth factor (EGF)-like repeat domain (PMID: 32457593, 20301673).

Literature cited by the submitters: PubMed 33895122 (cited by Mayo Clinic Laboratories, Mayo Clinic); PubMed 34374989 (cited by Mayo Clinic Laboratories, Mayo Clinic); PubMed 36380532 (cited by Mayo Clinic Laboratories, Mayo Clinic); PubMed 37479695 (cited by Mayo Clinic Laboratories, Mayo Clinic).

NM_000435.3(NOTCH3):c.2398dup (p.Gln800fs)

Gene: NOTCH3 (notch receptor 3; minus strand). Cytogenetic location: 19p13.12.
Variant type: Duplication.
Coding change: c.2398dup on transcript NM_000435.3 (MANE Select); coding-DNA position 2398, one base duplicated (C; older notation c.2398dupC).
Protein change: p.Gln800fs; shifts the reading frame from glutamine 800.
Molecular consequence: frameshift variant.
Genome position (GRCh38, 1-based): chr19:15,184,918, G duplicated on the plus strand (C on the coding strand, the reverse complement: NOTCH3 is on the minus strand); the first of 5 consecutive G bases (chr19:15,184,918-15,184,922); duplicating any one gives the same sequence. VCF-style (leftmost placement, unchanged base first): chr19-15184917-T-TG. GRCh37 (hg19) VCF-style: chr19-15295728-T-TG.
Other names: p.Gln800Profs*53; c.2398dup (NM_000435.2); short protein forms Q800fs.
Identifiers: ClinVar variation 3380595 (VCV003380595.2).